The following is an entry in ClinVar:

ClinVar aggregate classification (germline): Uncertain significance. Review status: criteria provided, multiple submitters, no conflicts (2 of 4 stars). 2 submissions from 2 submitters: Uncertain significance (2). Last evaluated 2024-12-27.

gnomAD v4.1: 1 of 1,614,140 alleles (0.000062%); highest among the groups gnomAD compares: South Asian, 0.0011%; no homozygotes.

Submissions (2):

Women's Health and Genetics/Laboratory Corporation of America, LabCorp
Classification: Uncertain significance. Last evaluated: 2024-12-27. Review status: criteria provided, single submitter. Criteria: LabCorp Variant Classification Summary - May 2015. Collection method: clinical testing. Allele origin: germline.
Comment: Variant summary: ABCA4 c.4216C>G (p.His1406Asp) results in a non-conservative amino acid change in the encoded protein sequence. Three of five in-silico tools predict a benign effect of the variant on protein function. The variant was absent in 251350 control chromosomes. c.4216C>G has not been reported in the literature in individuals affected with Retinitis Pigmentosa. Two other variants affecting the same codon (His1406Tyr, His1406Arg) have been classified as pathogenic in ClinVar. To our knowledge, no experimental evidence demonstrating an impact on protein function has been reported. The following publication have been ascertained in the context of this evaluation (PMID: 14517951). No submitters have cited clinical-significance assessments for this variant to ClinVar. Based on the evidence outlined above, the variant was classified as VUS-possibly pathogenic.

Labcorp Genetics (formerly Invitae), Labcorp
Classification: Uncertain significance. Last evaluated: 2024-08-07. Review status: criteria provided, single submitter. Criteria: Invitae Variant Classification Sherloc (09022015). Collection method: clinical testing. Allele origin: germline.
Comment: This sequence change replaces histidine, which is basic and polar, with aspartic acid, which is acidic and polar, at codon 1406 of the ABCA4 protein (p.His1406Asp). This variant is not present in population databases (gnomAD no frequency). This variant has not been reported in the literature in individuals affected with ABCA4-related conditions. Advanced modeling of protein sequence and biophysical properties (such as structural, functional, and spatial information, amino acid conservation, physicochemical variation, residue mobility, and thermodynamic stability) has been performed at Invitae for this missense variant, however the output from this modeling did not meet the statistical confidence thresholds required to predict the impact of this variant on ABCA4 protein function. This variant disrupts the p.His1406 amino acid residue in ABCA4. Other variant(s) that disrupt this residue have been determined to be pathogenic (PMID: 21911583, 32845068, 33090715; Invitae). This suggests that this residue is clinically significant, and that variants that disrupt this residue are likely to be disease-causing. In summary, the available evidence is currently insufficient to determine the role of this variant in disease. Therefore, it has been classified as a Variant of Uncertain Significance.

Literature cited by the submitters: PubMed 14517951 (cited by Women's Health and Genetics/Laboratory Corporation of America, LabCorp); PubMed 21911583 (cited by Labcorp Genetics (formerly Invitae), Labcorp); PubMed 32845068 (cited by Labcorp Genetics (formerly Invitae), Labcorp); PubMed 33090715 (cited by Labcorp Genetics (formerly Invitae), Labcorp).

NM_000350.3(ABCA4):c.4216C>G (p.His1406Asp)

Gene: ABCA4 (ATP binding cassette subfamily A member 4; minus strand). Cytogenetic location: 1p22.1.
Variant type: single nucleotide variant.
Coding change: c.4216C>G on transcript NM_000350.3 (MANE Select); coding-DNA position 4216, C replaced by G.
Protein change: p.His1406Asp; replaces histidine 1406 with aspartic acid.
Molecular consequence: missense variant.
Genome position (GRCh38, 1-based): chr1:94,031,033, G>C on the plus strand (C>G on the coding strand, the complement: ABCA4 is on the minus strand). VCF-style: chr1-94031033-G-C. GRCh37 (hg19) VCF-style: chr1-94496589-G-C.
Other names: c.3994C>G, p.His1332Asp (NM_001425324.1); short protein forms H1332D, H1406D.
Identifiers: ClinVar variation 3720219 (VCV003720219.3).